The following is an entry in ClinVar:

ClinVar aggregate classification (germline): Uncertain significance (1 of 4 stars; one submission).

Conditions:
Ataxia-telangiectasia syndrome (AT). Also called: ATAXIA-TELANGIECTASIA, COMPLEMENTATION GROUP A; ATAXIA-TELANGIECTASIA, FRESNO VARIANT; Ataxia-telangiectasia; Ataxia-telangiectasia, complementation group E; LOUIS-BAR SYNDROME; Cerebello-oculocutaneous telangiectasia. Identifiers: Orphanet 100, MedGen C0004135, MONDO:0008840, OMIM 208900.

Submission:

Labcorp Genetics (formerly Invitae), Labcorp
Classification: Uncertain significance for Ataxia-telangiectasia syndrome. Last evaluated: 2023-04-23. Review status: criteria provided, single submitter. Criteria: Invitae Variant Classification Sherloc (09022015). Collection method: clinical testing. Allele origin: germline.
Comment: In summary, the available evidence is currently insufficient to determine the role of this variant in disease. Therefore, it has been classified as a Variant of Uncertain Significance. An algorithm developed to predict the effect of missense changes on protein structure and function (PolyPhen-2) suggests that this variant is likely to be tolerated. This variant has not been reported in the literature in individuals affected with ATM-related conditions. This variant is not present in population databases (gnomAD no frequency). This sequence change replaces valine, which is neutral and non-polar, with alanine, which is neutral and non-polar, at codon 2781 of the ATM protein (p.Val2781Ala).

NM_000051.4(ATM):c.8342T>C (p.Val2781Ala)

Genes: ATM (ATM serine/threonine kinase; plus strand), C11orf65 (chromosome 11 open reading frame 65; minus strand). Cytogenetic location: 11q22.3.
Variant type: single nucleotide variant.
Coding change: c.8342T>C on transcript NM_000051.4 (MANE Select); coding-DNA position 8342, T replaced by C.
Protein change: p.Val2781Ala; replaces valine 2781 with alanine.
Molecular consequence: missense variant. On other transcripts: intron variant (2).
Genome position (GRCh38, 1-based): chr11:108,343,295, T>C. VCF-style: chr11-108343295-T-C. GRCh37 (hg19) VCF-style: chr11-108214022-T-C.
Other names: c.8342T>C, p.Val2781Ala (NM_001351834.2); c.641-34224A>G (NM_001330368.2); c.695-8003A>G (NM_001351110.2); short protein forms V2781A.
Identifiers: ClinVar variation 2858502 (VCV002858502.3), dbSNP rs2136947057, ClinGen allele CA382516460.